The following is an entry in ClinVar:

ClinVar aggregate classification (germline): Benign/Likely benign. Review status: criteria provided, multiple submitters, no conflicts (2 of 4 stars). 5 submissions from 5 submitters: Benign (1); Likely benign (4). Last evaluated 2024-04-09.

Conditions:
Hereditary cancer-predisposing syndrome. Also called: Hereditary Cancer Syndrome; Hereditary neoplastic syndrome; Tumor predisposition; Neoplastic Syndromes, Hereditary. Identifiers: Orphanet 140162, MedGen C0027672, MeSH D009386, MONDO:0015356.
Classic or attenuated familial adenomatous polyposis. Identifiers: MedGen CN372698, MONDO:0021057.
Familial adenomatous polyposis 1 (FAP1). Also called: FAMILIAL ADENOMATOUS POLYPOSIS 1, ATTENUATED; POLYPOSIS, ADENOMATOUS INTESTINAL. Identifiers: MedGen C2713442, MONDO:0021056, OMIM 175100. Disease mechanism: loss of function.

Allele frequency attached by ClinVar (database versions not stated): TOPMed below 0.00001.

Submissions (5):

Myriad Genetics, Inc.
Classification: Benign for Familial adenomatous polyposis 1. Last evaluated: 2024-04-09. Review status: criteria provided, single submitter. Criteria: Myriad Autosomal Dominant, Autosomal Recessive and X-Linked Classification Criteria (2023). Collection method: clinical testing. Allele origin: unknown.
Comment: This variant is considered benign. This variant is a silent/synonymous amino acid change and it is not expected to impact splicing.

All of Us Research Program, National Institutes of Health
Classification: Likely benign for Classic or attenuated familial adenomatous polyposis. Last evaluated: 2023-06-26. Review status: criteria provided, single submitter. Criteria: ACMG Guidelines, 2015. Collection method: clinical testing. Allele origin: germline. Inheritance: Autosomal dominant inheritance. Observed: 1 variant allele, 1 heterozygote.
Comment: This study involves interpretation of variants in research participants for the purpose of population health screening. Participant phenotype was not available at the time of variant classification. Additional details can be found in publication PMID: 35346344, PMCID: PMC8962531

Color Diagnostics, LLC DBA Color Health
Classification: Likely benign for Hereditary cancer-predisposing syndrome. Last evaluated: 2023-06-21. Review status: criteria provided, single submitter. Criteria: ACMG Guidelines, 2015. Collection method: clinical testing. Allele origin: germline.

Ambry Genetics
Classification: Likely benign for Hereditary cancer-predisposing syndrome. Last evaluated: 2022-02-13. Review status: criteria provided, single submitter. Criteria: Ambry Variant Classification Scheme 2023. Collection method: clinical testing. Allele origin: germline.

Labcorp Genetics (formerly Invitae), Labcorp
Classification: Likely benign for Familial adenomatous polyposis 1. Last evaluated: 2019-02-21. Review status: criteria provided, single submitter. Criteria: Invitae Variant Classification Sherloc (09022015). Collection method: clinical testing. Allele origin: germline.

NM_000038.6(APC):c.7470T>C (p.Asp2490=)

Gene: APC (APC regulator of Wnt signaling pathway; plus strand). Cytogenetic location: 5q22.2.
Variant type: single nucleotide variant.
Coding change: c.7470T>C on transcript NM_000038.6 (MANE Select); coding-DNA position 7470, T replaced by C.
Protein change: p.Asp2490=; no amino-acid change (aspartic acid 2490 retained).
Molecular consequence: synonymous variant.
Genome position (GRCh38, 1-based): chr5:112,843,064, T>C. VCF-style: chr5-112843064-T-C. GRCh37 (hg19) VCF-style: chr5-112178761-T-C.
Other names: c.7470T>C, p.Asp2490= (NM_001127510.3, NM_001354895.2); c.7416T>C, p.Asp2472= (NM_001127511.3); c.7524T>C, p.Asp2508= (NM_001354896.2); c.7500T>C, p.Asp2500= (NM_001354897.2); c.7395T>C, p.Asp2465= (NM_001354898.2); c.7386T>C, p.Asp2462= (NM_001354899.2); c.7347T>C, p.Asp2449= (NM_001354900.2); c.7293T>C, p.Asp2431= (NM_001354901.2); and 5 more.
Identifiers: ClinVar variation 1081920 (VCV001081920.14), dbSNP rs1766486824, ClinGen allele CA446210776.